The following is an entry in ClinVar:

NM_001127453.2(GSDME):c.528C>T (p.Val176=)

Gene: GSDME (gasdermin E; minus strand). Cytogenetic location: 7p15.3.
Variant type: single nucleotide variant.
Coding change: c.528C>T on transcript NM_001127453.2 (MANE Select); coding-DNA position 528, C replaced by T.
Protein change: p.Val176=; no amino-acid change (valine 176 retained).
Molecular consequence: synonymous variant.
Genome position (GRCh38, 1-based): chr7:24,719,095, G>A on the plus strand (C>T on the coding strand, the complement: GSDME is on the minus strand). VCF-style: chr7-24719095-G-A. GRCh37 (hg19) VCF-style: chr7-24758714-G-A.
Other names: c.36C>T, p.Val12= (NM_001127454.2); c.528C>T, p.Val176= (NM_004403.3).
Identifiers: ClinVar variation 359854 (VCV000359854.12), dbSNP rs138741730, ClinGen allele CA4191713.

ClinVar aggregate classification (germline): Benign/Likely benign. Review status: criteria provided, multiple submitters, no conflicts (2 of 4 stars). 2 submissions from 2 submitters: Benign (1); Likely benign (1). Last evaluated 2024-10-25.

Conditions:
Autosomal dominant nonsyndromic hearing loss 5. Identifiers: Orphanet 90635, MedGen C1832932, MONDO:0010973, OMIM 600994.

Allele frequency attached by ClinVar (database versions not stated): TOPMed 0.00008; ESP Exome Variant Server 0.00015; 1000 Genomes Project 30x 0.00031; 1000 Genomes Project 0.00040; gnomAD exomes 0.00050 and 0.00141; gnomAD 0.00098 and 0.00105; ExAC 0.00160.
gnomAD v4.1: 937 of 1,613,564 alleles (0.058%); highest among the groups gnomAD compares: Non-Finnish European, 0.017%; 6 homozygotes.

Submissions (2):

Labcorp Genetics (formerly Invitae), Labcorp
Classification: Benign. Last evaluated: 2024-10-25. Review status: criteria provided, single submitter. Criteria: Invitae Variant Classification Sherloc (09022015). Collection method: clinical testing. Allele origin: germline.

Illumina Laboratory Services, Illumina
Classification: Likely benign for Autosomal dominant nonsyndromic hearing loss 5. Last evaluated: 2018-01-13. Review status: criteria provided, single submitter. Criteria: ICSL Variant Classification Criteria 13 December 2019. Collection method: clinical testing. Allele origin: germline.
Comment: This variant was observed in the ICSL laboratory as part of a predisposition screen in an ostensibly healthy population. It had not been previously curated by ICSL or reported in the Human Gene Mutation Database (HGMD: prior to June 1st, 2018), and was therefore a candidate for classification through an automated scoring system. Utilizing variant allele frequency, disease prevalence and penetrance estimates, and inheritance mode, an automated score was calculated to assess if this variant is too frequent to cause the disease. Based on the score and internal cut-off values, a variant classified as likely benign is not then subjected to further curation. The score for this variant resulted in a classification of likely benign for this disease.